The following is an entry in ClinVar:

NM_001040142.2(SCN2A):c.5794T>C (p.Tyr1932His)

Gene: SCN2A (sodium voltage-gated channel alpha subunit 2; plus strand). Cytogenetic location: 2q24.3.
Variant type: single nucleotide variant.
Coding change: c.5794T>C on transcript NM_001040142.2 (MANE Select); coding-DNA position 5794, T replaced by C.
Protein change: p.Tyr1932His; replaces tyrosine 1932 with histidine.
Molecular consequence: missense variant.
Genome position (GRCh38, 1-based): chr2:165,389,600, T>C. VCF-style: chr2-165389600-T-C. GRCh37 (hg19) VCF-style: chr2-166246110-T-C.
Other names: c.5794T>C, p.Tyr1932His (NM_001040143.2, NM_001371246.1, NM_001371247.1 and 1 more transcripts); short protein forms Y1932H.
Identifiers: ClinVar variation 1449063 (VCV001449063.6), dbSNP rs2105403922, ClinGen allele CA349040399.
Genomic context (GRCh38, chr2:165,389,600, plus strand): 5'-ATCCAGAGGGCTTACAGACGCTACCTCTTGAAGCAAAAAGTTAAAAAGGTATCAAGTATA[T>C]ACAAGAAAGACAAAGGCAAAGAATGTGATGGAACACCCATCAAAGAAGATACTCTCATTG-3'
Protein context (NP_001035232.1, residues 1922-1942): KQKVKKVSSI[Tyr1932His]KKDKGKECDG

ClinVar aggregate classification (germline): Uncertain significance (1 of 4 stars; one submission).

Conditions:
Developmental and epileptic encephalopathy, 11 (DEE11). Also called: Early infantile epileptic encephalopathy 11. Identifiers: Orphanet 1934, MedGen C3150987, MONDO:0013388, OMIM 613721.
Seizures, benign familial infantile, 3 (BFIS3). Also called: CONVULSIONS, BENIGN FAMILIAL INFANTILE, 3; Familial neonatal seizures. Identifiers: Orphanet 140927, Orphanet 306, MedGen C1843140, MONDO:0011904, OMIM 607745.

Submission:

Labcorp Genetics (formerly Invitae), Labcorp
Classification: Uncertain significance for Seizures, benign familial infantile, 3; Developmental and epileptic encephalopathy, 11. Last evaluated: 2021-08-15. Review status: criteria provided, single submitter. Criteria: Invitae Variant Classification Sherloc (09022015). Collection method: clinical testing. Allele origin: germline.
Comment: This sequence change replaces tyrosine with histidine at codon 1932 of the SCN2A protein (p.Tyr1932His). The tyrosine residue is highly conserved and there is a moderate physicochemical difference between tyrosine and histidine. This variant is not present in population databases (ExAC no frequency). This variant has not been reported in the literature in individuals affected with SCN2A-related conditions. Algorithms developed to predict the effect of missense changes on protein structure and function are either unavailable or do not agree on the potential impact of this missense change (SIFT: "Deleterious"; PolyPhen-2: "Benign"; Align-GVGD: "Class C0"). In summary, the available evidence is currently insufficient to determine the role of this variant in disease. Therefore, it has been classified as a Variant of Uncertain Significance.